The following is an entry in ClinVar:

NM_006939.4(SOS2):c.1227A>G (p.Gln409=)

Gene: SOS2 (SOS Ras/Rho guanine nucleotide exchange factor 2; minus strand). Cytogenetic location: 14q21.3.
Variant type: single nucleotide variant.
Coding change: c.1227A>G on transcript NM_006939.4 (MANE Select); coding-DNA position 1227, A replaced by G.
Protein change: p.Gln409=; no amino-acid change (glutamine 409 retained).
Molecular consequence: synonymous variant.
Genome position (GRCh38, 1-based): chr14:50,160,056, T>C on the plus strand (A>G on the coding strand, the complement: SOS2 is on the minus strand). VCF-style: chr14-50160056-T-C. GRCh37 (hg19) VCF-style: chr14-50626774-T-C.
Other names: c.1128A>G, p.Gln376= (NM_001411020.1).
Identifiers: ClinVar variation 3008789 (VCV003008789.6), dbSNP rs2502992477, ClinGen allele CA486353143.

ClinVar aggregate classification (germline): Likely benign. Review status: criteria provided, multiple submitters, no conflicts (2 of 4 stars). 3 submissions from 3 submitters: Likely benign (2). 1 of the submissions does not count toward it. Last evaluated 2024-01-22.

Conditions:
Cardiovascular phenotype. Identifiers: MedGen CN230736.
SOS2-related disorder. Also called: SOS2-related condition.
Noonan syndrome 9 (NS9). Identifiers: Orphanet 648, MedGen C4225282, MONDO:0014691, OMIM 616559.

Allele frequency attached by ClinVar (database versions not stated): gnomAD exomes below 0.00001.
gnomAD v4.1: 1 of 1,613,356 alleles (0.000062%); highest among the groups gnomAD compares: Non-Finnish European, 0.000085%; no homozygotes.

Submissions (3):

Ambry Genetics
Classification: Likely benign for Cardiovascular phenotype. Last evaluated: 2024-01-22. Review status: criteria provided, single submitter. Criteria: Ambry Variant Classification Scheme 2023. Collection method: clinical testing. Allele origin: germline.

Labcorp Genetics (formerly Invitae), Labcorp
Classification: Likely benign for Noonan syndrome 9. Last evaluated: 2023-03-03. Review status: criteria provided, single submitter. Criteria: Invitae Variant Classification Sherloc (09022015). Collection method: clinical testing. Allele origin: germline.

PreventionGenetics, part of Exact Sciences
Classification: Likely benign for SOS2-related condition. Last evaluated: 2021-05-24. Review status: no assertion criteria provided. Collection method: clinical testing. Allele origin: germline. Not counted in ClinVar's aggregate classification.
Comment: This variant is classified as likely benign based on ACMG/AMP sequence variant interpretation guidelines (Richards et al. 2015 PMID: 25741868, with internal and published modifications).